The following is an entry in ClinVar:

NM_001621.5(AHR):c.326G>A (p.Gly109Asp)

Gene: AHR (aryl hydrocarbon receptor; plus strand). Cytogenetic location: 7p21.1.
Variant type: single nucleotide variant.
Coding change: c.326G>A on transcript NM_001621.5 (MANE Select); coding-DNA position 326, G replaced by A.
Protein change: p.Gly109Asp; replaces glycine 109 with aspartic acid.
Molecular consequence: missense variant.
Genome position (GRCh38, 1-based): chr7:17,322,573, G>A. VCF-style: chr7-17322573-G-A. GRCh37 (hg19) VCF-style: chr7-17362197-G-A.
Other names: short protein forms G109D.
Identifiers: ClinVar variation 1347487 (VCV001347487.5), dbSNP rs199498192, ClinGen allele CA4171789.

ClinVar aggregate classification (germline): Uncertain significance (1 of 4 stars; one submission).

Allele frequency attached by ClinVar (database versions not stated): TOPMed 0.00002; gnomAD exomes 0.00007; ESP Exome Variant Server 0.00008; ExAC 0.00010.

Submission:

Labcorp Genetics (formerly Invitae), Labcorp
Classification: Uncertain significance. Last evaluated: 2021-09-24. Review status: criteria provided, single submitter. Criteria: Invitae Variant Classification Sherloc (09022015). Collection method: clinical testing. Allele origin: germline.
Comment: This sequence change replaces glycine with aspartic acid at codon 109 of the AHR protein (p.Gly109Asp). The glycine residue is moderately conserved and there is a moderate physicochemical difference between glycine and aspartic acid. This variant is present in population databases (rs199498192, ExAC 0.1%). This variant has not been reported in the literature in individuals with AHR-related conditions. Algorithms developed to predict the effect of missense changes on protein structure and function output the following: SIFT: "Tolerated"; PolyPhen-2: "Benign"; Align-GVGD: "Class C0". The aspartic acid amino acid residue is found in multiple mammalian species, suggesting that this missense change does not adversely affect protein function. These predictions have not been confirmed by published functional studies and their clinical significance is uncertain. In summary, the available evidence is currently insufficient to determine the role of this variant in disease. Therefore, it has been classified as a Variant of Uncertain Significance.